The following is an entry in ClinVar:

NM_001401501.2(MUC16):c.9967G>A (p.Val3323Ile)

Gene: MUC16 (mucin 16, cell surface associated; minus strand). Cytogenetic location: 19p13.2.
Variant type: single nucleotide variant.
Coding change: c.9967G>A on transcript NM_001401501.2 (MANE Select); coding-DNA position 9967, G replaced by A.
Protein change: p.Val3323Ile; replaces valine 3323 with isoleucine.
Molecular consequence: missense variant.
Genome position (GRCh38, 1-based): chr19:8,966,923, C>T on the plus strand (G>A on the coding strand, the complement: MUC16 is on the minus strand). VCF-style: chr19-8966923-C-T. GRCh37 (hg19) VCF-style: chr19-9077599-C-T.
Other names: c.10393G>A, p.Val3465Ile (NM_001414686.1); c.9847G>A, p.Val3283Ile (NM_001414687.1, NM_024690.2); short protein forms V3283I, V3323I, V3465I.
Identifiers: ClinVar variation 3039516 (VCV003039516.2), dbSNP rs180762685, ClinGen allele CA9171580.

ClinVar aggregate classification (germline): Likely benign (0 of 4 stars; one submission).

Conditions:
MUC16-related disorder. Also called: MUC16-related condition.

Allele frequency attached by ClinVar (database versions not stated): gnomAD exomes 0.00010; 1000 Genomes Project 0.00020; gnomAD 0.00007; TOPMed 0.00022; 1000 Genomes Project 30x 0.00031; ExAC 0.00035.

Submission:

PreventionGenetics, part of Exact Sciences
Classification: Likely benign for MUC16-related condition. Last evaluated: 2022-04-01. Review status: no assertion criteria provided. Collection method: clinical testing. Allele origin: germline.
Comment: This variant is classified as likely benign based on ACMG/AMP sequence variant interpretation guidelines (Richards et al. 2015 PMID: 25741868, with internal and published modifications).